The following is an entry in ClinVar:

NM_001963.6(EGF):c.3004A>G (p.Asn1002Asp)

Gene: EGF (epidermal growth factor; plus strand). Cytogenetic location: 4q25.
Variant type: single nucleotide variant.
Coding change: c.3004A>G on transcript NM_001963.6 (MANE Select); coding-DNA position 3004, A replaced by G.
Protein change: p.Asn1002Asp; replaces asparagine 1002 with aspartic acid.
Molecular consequence: missense variant.
Genome position (GRCh38, 1-based): chr4:109,994,879, A>G. VCF-style: chr4-109994879-A-G. GRCh37 (hg19) VCF-style: chr4-110916035-A-G.
Other names: c.2878A>G, p.Asn960Asp (NM_001178131.3); c.2635A>G, p.Asn879Asp (NM_001357021.2); c.2881A>G, p.Asn961Asp (NM_001178130.3); short protein forms N961D, N1002D, N879D, N960D.
Identifiers: ClinVar variation 3087619 (VCV003087619.3), dbSNP rs1215580058, ClinGen allele CA357873702.

ClinVar aggregate classification (germline): Uncertain significance. Review status: criteria provided, multiple submitters, no conflicts (2 of 4 stars). 2 submissions from 2 submitters: Uncertain significance (2). Last evaluated 2024-03-30.

Submissions (2):

Labcorp Genetics (formerly Invitae), Labcorp
Classification: Uncertain significance. Last evaluated: 2024-03-30. Review status: criteria provided, single submitter. Criteria: Invitae Variant Classification Sherloc (09022015). Collection method: clinical testing. Allele origin: germline.
Comment: This sequence change replaces asparagine, which is neutral and polar, with aspartic acid, which is acidic and polar, at codon 1002 of the EGF protein (p.Asn1002Asp). This variant is not present in population databases (gnomAD no frequency). This variant has not been reported in the literature in individuals affected with EGF-related conditions. An algorithm developed to predict the effect of missense changes on protein structure and function (PolyPhen-2) suggests that this variant is likely to be disruptive. In summary, the available evidence is currently insufficient to determine the role of this variant in disease. Therefore, it has been classified as a Variant of Uncertain Significance.

Ambry Genetics
Classification: Uncertain significance. Last evaluated: 2023-12-09. Review status: criteria provided, single submitter. Criteria: Ambry Variant Classification Scheme 2023. Collection method: clinical testing. Allele origin: germline.